The following is an entry in ClinVar:

ClinVar aggregate classification (germline): Uncertain significance (1 of 4 stars; one submission).

Conditions:
Inborn genetic diseases. Identifiers: MedGen C0950123, MeSH D030342.

Submission:

Ambry Genetics
Classification: Uncertain significance for Inborn genetic diseases. Last evaluated: 2024-04-05. Review status: criteria provided, single submitter. Criteria: Ambry Variant Classification Scheme 2023. Collection method: clinical testing. Allele origin: germline.
Comment: The c.2308+2T>A intronic alteration consists of a T to A substitution two nucleotides after coding exon 18 of the GRIP1 gene. Alterations that disrupt the canonical splice site are expected to result in aberrant splicing. The resulting transcript is predicted to be in-frame and is not expected to trigger nonsense-mediated mRNA decay; however, direct evidence is unavailable. The exact functional effect of the altered amino acid sequence is unknown. This variant was not reported in population-based cohorts in the Genome Aggregation Database (gnomAD). This nucleotide position is highly conserved in available vertebrate species. In silico splice site analysis predicts that this alteration will weaken the native splice donor site. Based on insufficient or conflicting evidence, the clinical significance of this alteration remains unclear.

NM_001366722.1(GRIP1):c.2464+2T>A

Gene: GRIP1 (glutamate receptor interacting protein 1; minus strand). Cytogenetic location: 12q14.3.
Variant type: single nucleotide variant.
Coding change: c.2464+2T>A on transcript NM_001366722.1 (MANE Select); the canonical splice donor site of the intron after coding-DNA position 2464, T replaced by A.
Molecular consequence: splice donor variant.
Genome position (GRCh38, 1-based): chr12:66,392,306, A>T on the plus strand (T>A on the coding strand, the complement: GRIP1 is on the minus strand). VCF-style: chr12-66392306-A-T. GRCh37 (hg19) VCF-style: chr12-66786086-A-T.
Other names: c.2308+2T>A (NM_001379351.1, NM_001178074.2, NM_021150.4); c.2311+2T>A (NM_001379349.1); c.2383+2T>A (NM_001379348.1, NM_001366723.1); c.2386+2T>A (NM_001379347.1, NM_001366724.1); c.2542+2T>A (NM_001379345.1); c.2464+2T>A (NM_001379346.1).
Identifiers: ClinVar variation 3282822 (VCV003282822.1).
Genomic context (GRCh38, chr12:66,392,306, plus strand): 5'-ATCTTGGAGAAGCATGGGCTTCAACAATGACAAGTCCTCTGGGGGACAAAGTAAAGACAT[A>T]CCTTGAGTTCCATAGCTGGTGTCTATTGCAGACCCATCCCATGAATCCACAGCACTGTCC-3'